The following is an entry in ClinVar:

NM_006904.7(PRKDC):c.8491A>T (p.Asn2831Tyr)

Gene: PRKDC (protein kinase, DNA-activated, catalytic subunit; minus strand). Cytogenetic location: 8q11.21.
Variant type: single nucleotide variant.
Coding change: c.8491A>T on transcript NM_006904.7 (MANE Select); coding-DNA position 8491, A replaced by T.
Protein change: p.Asn2831Tyr; replaces asparagine 2831 with tyrosine.
Molecular consequence: missense variant.
Genome position (GRCh38, 1-based): chr8:47,828,254, T>A on the plus strand (A>T on the coding strand, the complement: PRKDC is on the minus strand). VCF-style: chr8-47828254-T-A. GRCh37 (hg19) VCF-style: chr8-48740815-T-A.
Other names: c.8491A>T, p.Asn2831Tyr (NM_001081640.2); short protein forms N2831Y.
Identifiers: ClinVar variation 2564525 (VCV002564525.2), dbSNP rs2551866351, ClinGen allele CA371144474.

ClinVar aggregate classification (germline): Uncertain significance (1 of 4 stars; one submission).

Submission:

Ambry Genetics
Classification: Uncertain significance. Last evaluated: 2023-04-13. Review status: criteria provided, single submitter. Criteria: Ambry Variant Classification Scheme 2023. Collection method: clinical testing. Allele origin: germline.
Comment: The p.N2831Y variant (also known as c.8491A>T), located in coding exon 62 of the PRKDC gene, results from an A to T substitution at nucleotide position 8491. The asparagine at codon 2831 is replaced by tyrosine, an amino acid with dissimilar properties. This amino acid position is conserved. In addition, this alteration is predicted to be tolerated by in silico analysis. Since supporting evidence is limited at this time, the clinical significance of this alteration remains unclear.